The following is an entry in ClinVar:

ClinVar aggregate classification (germline): Uncertain significance. Review status: criteria provided, multiple submitters, no conflicts (2 of 4 stars). 2 submissions from 2 submitters: Uncertain significance (2). Last evaluated 2025-08-12.

Conditions:
Autosomal recessive severe congenital neutropenia due to G6PC3 deficiency. Also called: NEUTROPENIA, SEVERE CONGENITAL, 4, AUTOSOMAL RECESSIVE; G6PC3 Deficiency. Identifiers: Orphanet 331176, MedGen C2751630, MONDO:0012930, OMIM 612541.
Inborn genetic diseases. Identifiers: MedGen C0950123, MeSH D030342.

Submissions (2):

Ambry Genetics
Classification: Uncertain significance for Inborn genetic diseases. Last evaluated: 2025-08-12. Review status: criteria provided, single submitter. Criteria: Ambry Variant Classification Scheme 2023. Collection method: clinical testing. Allele origin: germline.
Comment: The p.G183S variant (also known as c.547G>A), located in coding exon 5 of the G6PC3 gene, results from a G to A substitution at nucleotide position 547. The glycine at codon 183 is replaced by serine, an amino acid with similar properties. This amino acid position is conserved. In addition, this alteration is predicted to be deleterious by in silico analysis. Based on the available evidence, the clinical significance of this variant remains unclear.

Labcorp Genetics (formerly Invitae), Labcorp
Classification: Uncertain significance for Autosomal recessive severe congenital neutropenia due to G6PC3 deficiency. Last evaluated: 2025-03-06. Review status: criteria provided, single submitter. Criteria: Invitae Variant Classification Sherloc (09022015). Collection method: clinical testing. Allele origin: germline.
Comment: This sequence change replaces glycine, which is neutral and non-polar, with serine, which is neutral and polar, at codon 183 of the G6PC3 protein (p.Gly183Ser). This variant is not present in population databases (gnomAD no frequency). This variant has not been reported in the literature in individuals affected with G6PC3-related conditions. Invitae Evidence Modeling of protein sequence and biophysical properties (such as structural, functional, and spatial information, amino acid conservation, physicochemical variation, residue mobility, and thermodynamic stability) has been performed for this missense variant. However, the output from this modeling did not meet the statistical confidence thresholds required to predict the impact of this variant on G6PC3 protein function. In summary, the available evidence is currently insufficient to determine the role of this variant in disease. Therefore, it has been classified as a Variant of Uncertain Significance.

NM_138387.4(G6PC3):c.547G>A (p.Gly183Ser)

Gene: G6PC3 (glucose-6-phosphatase catalytic subunit 3; plus strand). Cytogenetic location: 17q21.31.
Variant type: single nucleotide variant.
Coding change: c.547G>A on transcript NM_138387.4 (MANE Select); coding-DNA position 547, G replaced by A.
Protein change: p.Gly183Ser; replaces glycine 183 with serine.
Molecular consequence: missense variant.
Genome position (GRCh38, 1-based): chr17:44,075,321, G>A. VCF-style: chr17-44075321-G-A. GRCh37 (hg19) VCF-style: chr17-42152689-G-A.
Other names: c.428G>A, p.Gly143Glu (NM_001319945.2); c.202G>A, p.Gly68Ser (NM_001384165.1, NM_001384166.1, NM_001384167.1 and 1 more transcripts); short protein forms G183S, G143E, G68S.
Identifiers: ClinVar variation 4260994 (VCV004260994.2).